The following is an entry in ClinVar:

NM_000256.3(MYBPC3):c.3689del (p.Phe1230fs)

Gene: MYBPC3 (myosin binding protein C3; minus strand). Cytogenetic location: 11p11.2.
Variant type: Deletion.
Coding change: c.3689del on transcript NM_000256.3 (MANE Select); coding-DNA position 3689, one base deleted (T; older notation c.3689delT).
Protein change: p.Phe1230fs; shifts the reading frame from phenylalanine 1230.
Molecular consequence: frameshift variant.
Genome position (GRCh38, 1-based): chr11:47,332,197, A deleted on the plus strand (T on the coding strand, the reverse complement: MYBPC3 is on the minus strand); the first of 2 consecutive A bases (chr11:47,332,197-47,332,198); deleting either gives the same sequence. VCF-style (leftmost placement, unchanged base first): chr11-47332196-GA-G. GRCh37 (hg19) VCF-style: chr11-47353747-GA-G.
Other names: short protein forms F1230fs.
Identifiers: ClinVar variation 2773698 (VCV002773698.3), dbSNP rs2495736462, ClinGen allele CA2697548538.

ClinVar aggregate classification (germline): Pathogenic. Review status: criteria provided, multiple submitters, no conflicts (2 of 4 stars). 2 submissions from 2 submitters: Pathogenic (2). Last evaluated 2023-08-15.

Conditions:
Cardiomyopathy (CMYO). Also called: Cardiomyopathies. Identifiers: Orphanet 167848, MedGen C0878544, MONDO:0004994, HP:0001638. Inheritance: Various modes of inheritance.
Hypertrophic cardiomyopathy. Also called: HYPERTROPHIC MYOCARDIOPATHY. Identifiers: Orphanet 217569, MedGen C0007194, MeSH D002312, MONDO:0005045, HP:0001639.

Submissions (2):

All of Us Research Program, National Institutes of Health
Classification: Pathogenic for Hypertrophic cardiomyopathy. Last evaluated: 2023-08-15. Review status: criteria provided, single submitter. Criteria: ACMG Guidelines, 2015. Collection method: clinical testing. Allele origin: germline. Inheritance: Autosomal dominant inheritance. Observed: 1 variant allele, 1 heterozygote.
Comment: This variant deletes 1 nucleotide in exon 33 of the MYBPC3 gene, creating a frameshift and premature translation stop signal. This variant is expected to result in an absent or non-functional protein product. To our knowledge, this variant has not been reported in individuals affected with cardiovascular disorders in the literature. This variant has not been identified in the general population by the Genome Aggregation Database (gnomAD). Loss of MYBPC3 function is a known mechanism of disease. Based on the available evidence, this variant is classified as Pathogenic.

This study involves interpretation of variants in research participants for the purpose of population health screening. Participant phenotype was not available at the time of variant classification. Additional details can be found in publication PMID: 35346344, PMCID: PMC8962531

Color Diagnostics, LLC DBA Color Health
Classification: Pathogenic for Cardiomyopathy. Last evaluated: 2023-04-06. Review status: criteria provided, single submitter. Criteria: ACMG Guidelines, 2015. Collection method: clinical testing. Allele origin: germline.
Comment: This variant deletes 1 nucleotide in exon 33 of the MYBPC3 gene, creating a frameshift and premature translation stop signal. This variant is expected to result in an absent or non-functional protein product. To our knowledge, this variant has not been reported in individuals affected with cardiovascular disorders in the literature. This variant has not been identified in the general population by the Genome Aggregation Database (gnomAD). Loss of MYBPC3 function is a known mechanism of disease. Based on the available evidence, this variant is classified as Pathogenic.